The following is an entry in ClinVar:

ClinVar aggregate classification (germline): Likely benign. Review status: criteria provided, single submitter (1 of 4 stars). 2 submissions from 2 submitters: Likely benign (1). 1 of the submissions does not count toward it. Last evaluated 2025-10-04.

Conditions:
POLR1C-related disorder. Also called: POLR1C-related condition; POLR1C-related disorders. Identifiers: MedGen CN239394, MONDO:0700278.

Allele frequency attached by ClinVar (database versions not stated): ExAC 0.00002; gnomAD exomes 0.00003; TOPMed 0.00003; gnomAD 0.00005.
gnomAD v4.1: 51 of 1,613,838 alleles (0.0032%); highest among the groups gnomAD compares: Middle Eastern, 0.017%; no homozygotes.

Submissions (2):

Labcorp Genetics (formerly Invitae), Labcorp
Classification: Likely benign. Last evaluated: 2025-10-04. Review status: criteria provided, single submitter. Criteria: Invitae Variant Classification Sherloc (09022015). Collection method: clinical testing. Allele origin: germline.

PreventionGenetics, part of Exact Sciences
Classification: Likely benign for POLR1C-related condition. Last evaluated: 2020-10-05. Review status: no assertion criteria provided. Collection method: clinical testing. Allele origin: germline. Not counted in ClinVar's aggregate classification.
Comment: This variant is classified as likely benign based on ACMG/AMP sequence variant interpretation guidelines (Richards et al. 2015 PMID: 25741868, with internal and published modifications).

NM_203290.4(POLR1C):c.597C>T (p.Ile199=)

Gene: POLR1C (RNA polymerase I and III subunit C; plus strand). Cytogenetic location: 6p21.1.
Variant type: single nucleotide variant.
Coding change: c.597C>T on transcript NM_203290.4 (MANE Select); coding-DNA position 597, C replaced by T.
Protein change: p.Ile199=; no amino-acid change (isoleucine 199 retained).
Molecular consequence: synonymous variant.
Genome position (GRCh38, 1-based): chr6:43,520,369, C>T. VCF-style: chr6-43520369-C-T. GRCh37 (hg19) VCF-style: chr6-43488107-C-T.
Other names: c.597C>T (NM_203290.3); c.597C>T, p.Ile199= (NM_001318876.2, NM_001363658.2).
Identifiers: ClinVar variation 2041377 (VCV002041377.6), dbSNP rs112689763, ClinGen allele CA3825501.